The following is an entry in ClinVar:

NM_001015877.2(PHF6):c.852T>C (p.Ser284=)

Gene: PHF6 (PHD finger protein 6; plus strand). Cytogenetic location: Xq26.2.
Variant type: single nucleotide variant.
Coding change: c.852T>C on transcript NM_001015877.2 (MANE Select); coding-DNA position 852, T replaced by C.
Protein change: p.Ser284=; no amino-acid change (serine 284 retained).
Molecular consequence: synonymous variant.
Genome position (GRCh38, 1-based): chrX:134,417,186, T>C. VCF-style: chrX-134417186-T-C. GRCh37 (hg19) VCF-style: chrX-133551216-T-C.
Other names: c.852T>C, p.Ser284= (NM_032458.3).
Identifiers: ClinVar variation 4985756 (VCV004985756.1).

ClinVar aggregate classification (germline): Likely benign (1 of 4 stars; one submission).

Conditions:
PHF6-related disorder. Also called: PHF6-related condition.

Submission:

PreventionGenetics, part of Exact Sciences
Classification: Likely benign for PHF6-related condition. Last evaluated: 2026-05-19. Review status: criteria provided, single submitter. Criteria: ACMG Guidelines, 2015. Collection method: clinical testing. Allele origin: germline.
Comment: This variant is classified as likely benign based on ACMG/AMP sequence variant interpretation guidelines (Richards et al. 2015 PMID: 25741868, with internal and published modifications).